The following is an entry in ClinVar:

NM_021008.4(DEAF1):c.1657dup (p.Val553fs)

Gene: DEAF1 (DEAF1 transcription factor; minus strand). Cytogenetic location: 11p15.5.
Variant type: Duplication.
Coding change: c.1657dup on transcript NM_021008.4 (MANE Select); coding-DNA position 1657, one base duplicated (G; older notation c.1657dupG).
Protein change: p.Val553fs; shifts the reading frame from valine 553.
Molecular consequence: frameshift variant.
Genome position (GRCh38, 1-based): chr11:644,591, C duplicated on the plus strand (G on the coding strand, the reverse complement: DEAF1 is on the minus strand). VCF-style (leftmost placement, unchanged base first): chr11-644590-A-AC. GRCh37 (hg19) VCF-style: chr11-644590-A-AC.
Other names: c.1432dup, p.Val478Glyfs (NM_001293634.2); c.931dup, p.Val311fs (NM_001367390.1); short protein forms V553fs, V478fs, V311fs.
Identifiers: ClinVar variation 2828922 (VCV002828922.3), dbSNP rs2494212530, ClinGen allele CA2739276059.

ClinVar aggregate classification (germline): Uncertain significance (1 of 4 stars; one submission).

Submission:

Labcorp Genetics (formerly Invitae), Labcorp
Classification: Uncertain significance. Last evaluated: 2023-01-15. Review status: criteria provided, single submitter. Criteria: Invitae Variant Classification Sherloc (09022015). Collection method: clinical testing. Allele origin: germline.
Comment: This sequence change creates a premature translational stop signal (p.Val553Glyfs*5) in the DEAF1 gene. While this is not anticipated to result in nonsense mediated decay, it is expected to disrupt the last 13 amino acid(s) of the DEAF1 protein. This variant is not present in population databases (gnomAD no frequency). This variant has not been reported in the literature in individuals affected with DEAF1-related conditions. Experimental studies and prediction algorithms are not available or were not evaluated, and the functional significance of this variant is currently unknown. In summary, the available evidence is currently insufficient to determine the role of this variant in disease. Therefore, it has been classified as a Variant of Uncertain Significance.